The following is an entry in ClinVar:

ClinVar aggregate classification (germline): Uncertain significance. Review status: criteria provided, multiple submitters, no conflicts (2 of 4 stars). 3 submissions from 3 submitters: Uncertain significance (2). 1 of the submissions does not count toward it. Last evaluated 2024-04-29.

Conditions:
Fanconi anemia (FA). Also called: Fanconi's anemia. Identifiers: Orphanet 84, MedGen C0015625, MeSH D005199, MONDO:0019391.
Fanconi anemia complementation group D2. Also called: FANCD2-Related Fanconi Anemia; FANCONI PANCYTOPENIA, TYPE 4; FANCONI ANEMIA, COMPLEMENTATION GROUP D. Identifiers: Orphanet 84, MedGen C3160738, MONDO:0009214, OMIM 227646.

Allele frequency attached by ClinVar (database versions not stated): TOPMed 0.00001.
gnomAD v4.1: 9 of 1,611,744 alleles (0.00056%); highest among the groups gnomAD compares: East Asian, 0.016%; no homozygotes.

Submissions (3):

Fulgent Genetics
Classification: Uncertain significance for Fanconi anemia complementation group D2. Last evaluated: 2024-04-29. Review status: criteria provided, single submitter. Criteria: ACMG Guidelines, 2015. Collection method: clinical testing. Allele origin: germline.

Labcorp Genetics (formerly Invitae), Labcorp
Classification: Uncertain significance for Fanconi anemia. Last evaluated: 2022-03-07. Review status: criteria provided, single submitter. Criteria: Invitae Variant Classification Sherloc (09022015). Collection method: clinical testing. Allele origin: germline.
Comment: This sequence change replaces proline, which is neutral and non-polar, with leucine, which is neutral and non-polar, at codon 852 of the FANCD2 protein (p.Pro852Leu). This variant is present in population databases (rs375827113, gnomAD 0.03%). This variant has not been reported in the literature in individuals affected with FANCD2-related conditions. ClinVar contains an entry for this variant (Variation ID: 134316). Algorithms developed to predict the effect of missense changes on protein structure and function (SIFT, PolyPhen-2, Align-GVGD) all suggest that this variant is likely to be tolerated. In summary, the available evidence is currently insufficient to determine the role of this variant in disease. Therefore, it has been classified as a Variant of Uncertain Significance.

ITMI
No classification provided. Condition: AllHighlyPenetrant. Last evaluated: 2013-09-19. Review status: no classification provided. Collection method: reference population. Allele origin: germline. Not counted in ClinVar's aggregate classification.
Comment: Please see associated publication for description of ethnicities

Literature cited by the submitters: PubMed 24728327 (cited by ITMI).

NM_001018115.3(FANCD2):c.2555C>T (p.Pro852Leu)

Genes: FANCD2 (FA complementation group D2; plus strand), LOC107303338 (3p25 FANCD2 Alu-mediated recombination region; plus strand). Cytogenetic location: 3p25.3.
Variant type: single nucleotide variant.
Coding change: c.2555C>T on transcript NM_001018115.3 (MANE Select); coding-DNA position 2555, C replaced by T.
Protein change: p.Pro852Leu; replaces proline 852 with leucine.
Molecular consequence: missense variant.
Genome position (GRCh38, 1-based): chr3:10,072,931, C>T. VCF-style: chr3-10072931-C-T. GRCh37 (hg19) VCF-style: chr3-10114615-C-T.
Other names: c.2555C>T, p.Pro852Leu (NM_001319984.2, NM_001374254.1, NM_033084.6); c.2444C>T, p.Pro815Leu (NM_001374253.1); c.2555C>T (NM_033084.4); short protein forms P852L, P815L.
Identifiers: ClinVar variation 134316 (VCV000134316.10), dbSNP rs375827113, ClinGen allele CA159453.